The following is an entry in ClinVar:

NM_001370466.1(NOD2):c.1441A>G (p.Lys481Glu)

Gene: NOD2 (nucleotide binding oligomerization domain containing 2; plus strand). Cytogenetic location: 16q12.1.
Variant type: single nucleotide variant.
Coding change: c.1441A>G on transcript NM_001370466.1 (MANE Select); coding-DNA position 1441, A replaced by G.
Protein change: p.Lys481Glu; replaces lysine 481 with glutamic acid.
Molecular consequence: missense variant. On other transcripts: non-coding transcript variant (1).
Genome position (GRCh38, 1-based): chr16:50,711,433, A>G. VCF-style: chr16-50711433-A-G. GRCh37 (hg19) VCF-style: chr16-50745344-A-G.
Other names: c.1441A>G, p.Lys481Glu (NM_001293557.2); c.1522A>G, p.Lys508Glu (NM_022162.3); short protein forms K481E, K508E.
Identifiers: ClinVar variation 2933568 (VCV002933568.3), dbSNP rs762313725, ClinGen allele CA8051562.

ClinVar aggregate classification (germline): Uncertain significance (1 of 4 stars; one submission).

Conditions:
Regional enteritis. Also called: Enteritis, Granulomatous. Identifiers: MedGen C0678202, MeSH D003424.
Blau syndrome (BLAUS). Also called: ARTHROCUTANEOUVEAL GRANULOMATOSIS; GRANULOMATOSIS, FAMILIAL JUVENILE SYSTEMIC; GRANULOMATOSIS, FAMILIAL, BLAU TYPE; GRANULOMATOUS INFLAMMATORY ARTHRITIS, DERMATITIS, AND UVEITIS, FAMILIAL; JABS SYNDROME. Identifiers: Orphanet 90340, MedGen C5201146, MONDO:0008523, OMIM 186580.

Allele frequency attached by ClinVar (database versions not stated): gnomAD exomes below 0.00001; TOPMed below 0.00001; ExAC 0.00001; gnomAD 0.00001.
gnomAD v4.1: 2 of 1,613,382 alleles (0.00012%); highest among the groups gnomAD compares: East Asian, 0.0022%; no homozygotes.

Submission:

Labcorp Genetics (formerly Invitae), Labcorp
Classification: Uncertain significance for Regional enteritis; Blau syndrome. Last evaluated: 2025-03-05. Review status: criteria provided, single submitter. Criteria: Invitae Variant Classification Sherloc (09022015). Collection method: clinical testing. Allele origin: germline.
Comment: This sequence change replaces lysine, which is basic and polar, with glutamic acid, which is acidic and polar, at codon 508 of the NOD2 protein (p.Lys508Glu). This variant is present in population databases (rs762313725, gnomAD 0.005%). This variant has not been reported in the literature in individuals affected with NOD2-related conditions. ClinVar contains an entry for this variant (Variation ID: 2933568). Invitae Evidence Modeling of protein sequence and biophysical properties (such as structural, functional, and spatial information, amino acid conservation, physicochemical variation, residue mobility, and thermodynamic stability) indicates that this missense variant is not expected to disrupt NOD2 protein function with a negative predictive value of 95%. In summary, the available evidence is currently insufficient to determine the role of this variant in disease. Therefore, it has been classified as a Variant of Uncertain Significance.